The following is an entry in ClinVar:

ClinVar aggregate classification (germline): Benign. Review status: criteria provided, multiple submitters, no conflicts (2 of 4 stars). 10 submissions from 10 submitters: Benign (6). 4 of the submissions do not count toward it. Last evaluated 2026-02-01.

Conditions:
Cardiovascular phenotype. Identifiers: MedGen CN230736.
Cardiomyopathy (CMYO). Also called: Cardiomyopathies. Identifiers: Orphanet 167848, MedGen C0878544, MONDO:0004994, HP:0001638. Inheritance: Various modes of inheritance.
Hypertrophic cardiomyopathy 14. Identifiers: MedGen C2750467, MONDO:0013197, OMIM 613251.

Allele frequency attached by ClinVar (database versions not stated): gnomAD exomes 0.00110 and 0.00321; 1000 Genomes Project 30x 0.01499; ExAC 0.00404; gnomAD 0.01255 and 0.01343; 1000 Genomes Project 0.01338; ESP Exome Variant Server 0.01407; TOPMed 0.01453.
gnomAD v4.1: 3,597 of 1,614,140 alleles (0.22%); highest among the groups gnomAD compares: African/African-American, 4.3%; 94 homozygotes.

Submissions (10):

Labcorp Genetics (formerly Invitae), Labcorp
Classification: Benign for Hypertrophic cardiomyopathy 14. Last evaluated: 2026-02-01. Review status: criteria provided, single submitter. Criteria: Invitae Variant Classification Sherloc (09022015). Collection method: clinical testing. Allele origin: germline.

ARUP Laboratories, Molecular Genetics and Genomics, ARUP Laboratories
Classification: Benign. Last evaluated: 2025-07-01. Review status: criteria provided, single submitter. Criteria: ARUP Molecular Germline Variant Investigation Process 2024. Collection method: clinical testing. Allele origin: germline.

GeneDx
Classification: Benign. Last evaluated: 2016-11-15. Review status: criteria provided, single submitter. Criteria: GeneDx Variant Classification (06012015). Collection method: clinical testing. Allele origin: germline. Affected: yes.
Comment: This variant is considered likely benign or benign based on one or more of the following criteria: it is a conservative change, it occurs at a poorly conserved position in the protein, it is predicted to be benign by multiple in silico algorithms, and/or has population frequency not consistent with disease.

CHEO Genetics Diagnostic Laboratory, Children's Hospital of Eastern Ontario
Classification: Benign for Cardiomyopathy. Last evaluated: 2016-04-07. Review status: criteria provided, single submitter. Criteria: ACMG Guidelines, 2015. Collection method: clinical testing. Allele origin: germline. Study: Canadian Open Genetics Repository.

Ambry Genetics
Classification: Benign for Cardiovascular phenotype. Last evaluated: 2015-08-04. Review status: criteria provided, single submitter. Criteria: Ambry Variant Classification Scheme 2023. Collection method: clinical testing. Allele origin: germline.

Laboratory for Molecular Medicine, Mass General Brigham Personalized Medicine
Classification: Benign. Last evaluated: 2012-05-22. Review status: criteria provided, single submitter. Criteria: LMM Criteria. Collection method: clinical testing. Allele origin: germline. Observed: 21 variant alleles.
Comment: 4.1% (154/3738) Afr Amer chrom (ESP)

Clinical Genetics DNA and cytogenetics Diagnostics Lab, Erasmus MC, Erasmus Medical Center
Classification: Benign. Review status: no assertion criteria provided. Collection method: clinical testing. Allele origin: germline. Affected: yes. Study: VKGL Data-share Consensus. Not counted in ClinVar's aggregate classification.

Clinical Genetics, Academic Medical Center
Classification: Benign. Review status: no assertion criteria provided. Collection method: clinical testing. Allele origin: germline. Affected: yes. Study: VKGL Data-share Consensus. Not counted in ClinVar's aggregate classification.

Diagnostic Laboratory, Department of Genetics, University Medical Center Groningen
Classification: Likely benign. Review status: no assertion criteria provided. Collection method: clinical testing. Allele origin: germline. Affected: yes. Study: VKGL Data-share Consensus. Not counted in ClinVar's aggregate classification.

Joint Genome Diagnostic Labs from Nijmegen and Maastricht, Radboudumc and MUMC+
Classification: Benign. Review status: no assertion criteria provided. Collection method: clinical testing. Allele origin: germline. Affected: yes. Study: VKGL Data-share Consensus. Not counted in ClinVar's aggregate classification.

NM_002471.4(MYH6):c.399G>A (p.Val133=)

Genes: MYH6 (myosin heavy chain 6; minus strand), LOC114827851 (VISTA enhancer hs2155; plus strand). Cytogenetic location: 14q11.2.
Variant type: single nucleotide variant.
Coding change: c.399G>A on transcript NM_002471.4 (MANE Select); coding-DNA position 399, G replaced by A.
Protein change: p.Val133=; no amino-acid change (valine 133 retained).
Molecular consequence: synonymous variant.
Genome position (GRCh38, 1-based): chr14:23,405,326, C>T on the plus strand (G>A on the coding strand, the complement: MYH6 is on the minus strand). VCF-style: chr14-23405326-C-T. GRCh37 (hg19) VCF-style: chr14-23874535-C-T.
Identifiers: ClinVar variation 44500 (VCV000044500.37), dbSNP rs78891557, ClinGen allele CA134370.
Genomic context (GRCh38, chr14:23,405,326, plus strand): 5'-GTGGGGCGGGGCCTCACTCCTCTTCTTGCCCCGGTAGGCGGCCACCACCTCGGCATTGTA[C>T]ACCGGCAGCCACTTGTAGGGGTTGACAGTGACACAGAAGAGGCCCGAGTAGGTCTGGAGC-3'
Protein context (NP_002462.2, residues 123-143): VTVNPYKWLP[Val133=]YNAEVVAAYR